The following is an entry in ClinVar:

ClinVar aggregate classification (germline): Pathogenic. Review status: reviewed by expert panel (3 of 4 stars). 7 submissions from 7 submitters: Pathogenic (1). 6 of the submissions do not count toward it. Last evaluated 2016-09-08.

Conditions:
Hereditary cancer-predisposing syndrome. Also called: Neoplastic Syndromes, Hereditary; Hereditary neoplastic syndrome; Tumor predisposition; Hereditary Cancer Syndrome. Identifiers: Orphanet 140162, MedGen C0027672, MeSH D009386, MONDO:0015356.
Hereditary breast ovarian cancer syndrome. Also called: Hereditary breast and/or ovarian cancer syndrome; Hereditary breast and ovarian cancer; Hereditary breast and ovarian cancer syndrome (HBOC); Breast and ovarian cancer; BRCA1- and BRCA2-Associated Hereditary Breast and Ovarian Cancer; Hereditary breast and ovarian cancer syndrome. Identifiers: Orphanet 145, MedGen C0677776, MeSH D061325, MONDO:0003582. Disease mechanism: loss of function.
Breast-ovarian cancer, familial, susceptibility to, 2 (BROVCA2). Also called: BRCA2 Hereditary Breast and Ovarian Cancer. Identifiers: Orphanet 145, MedGen C2675520, MONDO:0012933, OMIM 612555. Disease mechanism: loss of function.
Familial cancer of breast. Also called: Hereditary breast cancer; hereditary breast carcinoma; BREAST CANCER, FAMILIAL. Identifiers: Orphanet 227535, MedGen C0346153, MONDO:0016419, OMIM 114480. Disease mechanism: loss of function.

Allele frequency attached by ClinVar (database versions not stated): gnomAD exomes below 0.00001.
gnomAD v4.1: 1 of 1,609,044 alleles (0.000062%); highest among the groups gnomAD compares: South Asian, 0.0011%; no homozygotes.

Submissions (7):

Evidence-based Network for the Interpretation of Germline Mutant Alleles (ENIGMA)
Classification: Pathogenic for Breast-ovarian cancer, familial, susceptibility to, 2. Last evaluated: 2016-09-08. Review status: reviewed by expert panel. Criteria: ENIGMA BRCA1/2 Classification Criteria (2015). Collection method: curation. Allele origin: germline.
Comment: Variant allele predicted to encode a truncated non-functional protein.

Ambry Genetics
Classification: Pathogenic for Hereditary cancer-predisposing syndrome. Last evaluated: 2026-05-12. Review status: criteria provided, single submitter. Criteria: Ambry Variant Classification Scheme 2023. Collection method: clinical testing. Allele origin: germline. Not counted in ClinVar's aggregate classification.
Comment: The p.E2183* pathogenic mutation (also known as c.6547G>T), located in coding exon 10 of the BRCA2 gene, results from a G to T substitution at nucleotide position 6547. This changes the amino acid from a glutamic acid to a stop codon within coding exon 10. Of note, this alteration is also referred to as 6775G>T in the published literature. This variant is expected to result in loss of function by premature protein truncation or nonsense-mediated mRNA decay. As such, this variant is interpreted as a disease-causing mutation.

Labcorp Genetics (formerly Invitae), Labcorp
Classification: Pathogenic for Hereditary breast ovarian cancer syndrome. Last evaluated: 2022-11-01. Review status: criteria provided, single submitter. Criteria: Invitae Variant Classification Sherloc (09022015). Collection method: clinical testing. Allele origin: germline. Not counted in ClinVar's aggregate classification.
Comment: For these reasons, this variant has been classified as Pathogenic. ClinVar contains an entry for this variant (Variation ID: 52125). This premature translational stop signal has been observed in individual(s) with breast and/or ovarian cancer and/or esophageal squamous cell carcinoma (PMID: 16683254, 29446198, 30720863, 31396961). This variant is not present in population databases (gnomAD no frequency). This sequence change creates a premature translational stop signal (p.Glu2183*) in the BRCA2 gene. It is expected to result in an absent or disrupted protein product. Loss-of-function variants in BRCA2 are known to be pathogenic (PMID: 20104584).

Institute of Human Genetics, University of Leipzig Medical Center
Classification: Pathogenic for Familial cancer of breast. Last evaluated: 2019-01-01. Review status: criteria provided, single submitter. Criteria: ACMG Guidelines, 2015. Collection method: clinical testing. Allele origin: unknown. Affected: yes. Not counted in ClinVar's aggregate classification.

Consortium of Investigators of Modifiers of BRCA1/2 (CIMBA), c/o University of Cambridge
Classification: Pathogenic for Breast-ovarian cancer, familial, susceptibility to, 2. Last evaluated: 2015-10-02. Review status: criteria provided, single submitter. Criteria: CIMBA Mutation Classification guidelines May 2016. Collection method: clinical testing. Allele origin: germline. Not counted in ClinVar's aggregate classification.

Clinical Genetics DNA and cytogenetics Diagnostics Lab, Erasmus MC, Erasmus Medical Center
Classification: Pathogenic for Breast-ovarian cancer, familial, susceptibility to, 2. Last evaluated: 2015-09-21. Review status: criteria provided, single submitter. Criteria: ACGS Guidelines, 2013. Collection method: clinical testing. Allele origin: germline. Affected: yes. Study: VKGL Data-share Consensus. Not counted in ClinVar's aggregate classification.

Diagnostic Laboratory, Department of Genetics, University Medical Center Groningen
Classification: Pathogenic for Breast-ovarian cancer, familial, susceptibility to, 2. Review status: no assertion criteria provided. Collection method: clinical testing. Allele origin: germline. Affected: yes. Study: VKGL Data-share Consensus. Not counted in ClinVar's aggregate classification.

Literature cited by the submitters: PubMed 16683254 (cited by Labcorp Genetics (formerly Invitae), Labcorp); PubMed 29446198 (cited by Labcorp Genetics (formerly Invitae), Labcorp); PubMed 30720863 (cited by Labcorp Genetics (formerly Invitae), Labcorp); PubMed 31396961 (cited by Labcorp Genetics (formerly Invitae), Labcorp); PubMed 20104584 (cited by Labcorp Genetics (formerly Invitae), Labcorp).

NM_000059.4(BRCA2):c.6547G>T (p.Glu2183Ter)

Gene: BRCA2 (BRCA2 DNA repair associated; plus strand). Cytogenetic location: 13q13.1.
Variant type: single nucleotide variant.
Coding change: c.6547G>T on transcript NM_000059.4 (MANE Select); coding-DNA position 6547, G replaced by T.
Protein change: p.Glu2183Ter; replaces glutamic acid 2183 with a stop codon.
Molecular consequence: nonsense.
Genome position (GRCh38, 1-based): chr13:32,340,902, G>T. VCF-style: chr13-32340902-G-T. GRCh37 (hg19) VCF-style: chr13-32915039-G-T.
Other names: short protein forms E2183*.
Identifiers: ClinVar variation 52125 (VCV000052125.17), dbSNP rs397507866, ClinGen allele CA024157.
Genomic context (GRCh38, chr13:32,340,902, plus strand): 5'-CAACAGTTGGTATTAGGAACCAAAGTGTCACTTGTTGAGAACATTCATGTTTTGGGAAAA[G>T]AACAGGCTTCACCTAAAAACGTAAAAATGGAAATTGGTAAAACTGAAACTTTTTCTGATG-3'